The following is an entry in ClinVar:

ClinVar aggregate classification (germline): Uncertain significance (1 of 4 stars; one submission).

Submission:

Ambry Genetics
Classification: Uncertain significance. Last evaluated: 2026-03-09. Review status: criteria provided, single submitter. Criteria: Ambry Variant Classification Scheme 2023. Collection method: clinical testing. Allele origin: germline.
Comment: The p.G19E variant (also known as c.56G>A), located in coding exon 1 of the PDLIM3 gene, results from a G to A substitution at nucleotide position 56. The glycine at codon 19 is replaced by glutamic acid, an amino acid with similar properties. This amino acid position is conserved. In addition, this alteration is predicted to be deleterious by in silico analysis. Based on the available evidence, the clinical significance of this variant remains unclear.

NM_014476.6(PDLIM3):c.56G>A (p.Gly19Glu)

Gene: PDLIM3 (PDZ and LIM domain 3; minus strand). Cytogenetic location: 4q35.1.
Variant type: single nucleotide variant.
Coding change: c.56G>A on transcript NM_014476.6 (MANE Select); coding-DNA position 56, G replaced by A.
Protein change: p.Gly19Glu; replaces glycine 19 with glutamic acid.
Molecular consequence: missense variant. On other transcripts: non-coding transcript variant (1).
Genome position (GRCh38, 1-based): chr4:185,535,379, C>T on the plus strand (G>A on the coding strand, the complement: PDLIM3 is on the minus strand). VCF-style: chr4-185535379-C-T. GRCh37 (hg19) VCF-style: chr4-186456533-C-T.
Other names: c.56G>A, p.Gly19Glu (NM_001114107.5, NM_001257962.2, NM_001257963.2); short protein forms G19E.
Identifiers: ClinVar variation 4826055 (VCV004826055.1).
Genomic context (GRCh38, chr4:185,535,379, plus strand): 5'-AAAGCAAGAATGCCGACACCTACCCTGGTGATGACCAAAGGCTGGTTGAAGTCTATGCCC[C>T]CTGAGAGCCTGAAGCCCCAGGGCGCAGGGCCCGGGAGGATCACCGTCTGGGGCATGCCGC-3'
Protein context (NP_055291.2, residues 9-29): GPAPWGFRLS[Gly19Glu]GIDFNQPLVI